The following is an entry in ClinVar:

ClinVar aggregate classification (germline): Uncertain significance. Review status: criteria provided, multiple submitters, no conflicts (2 of 4 stars). 2 submissions from 2 submitters: Uncertain significance (2). Last evaluated 2024-02-09.

Conditions:
Orofaciodigital syndrome type 6 (OFD6). Also called: Oral-facial-digital syndrome type 6; Central polydactyly cleft lip/palate or lingual lump and psychomotor retardation; Y-shaped central metacarpal and cerebellar defect; Joubert syndrome with orofacialdigital anomalies; OROFACIODIGITAL SYNDROME VI; OFDS VI. Identifiers: Orphanet 2754, MedGen C2745997, MONDO:0010176, OMIM 277170.
Joubert syndrome 17 (JBTS17). Identifiers: Orphanet 475, MedGen C3553264, MONDO:0013824, OMIM 614615.

gnomAD v4.1: 26 of 1,549,034 alleles (0.0017%); highest among the groups gnomAD compares: Non-Finnish European, 0.0022%; no homozygotes.

Submissions (2):

Fulgent Genetics
Classification: Uncertain significance for Orofaciodigital syndrome type 6; Joubert syndrome 17. Last evaluated: 2024-02-09. Review status: criteria provided, single submitter. Criteria: ACMG Guidelines, 2015. Collection method: clinical testing. Allele origin: germline.

Labcorp Genetics (formerly Invitae), Labcorp
Classification: Uncertain significance. Last evaluated: 2022-03-18. Review status: criteria provided, single submitter. Criteria: Invitae Variant Classification Sherloc (09022015). Collection method: clinical testing. Allele origin: germline.
Comment: This sequence change replaces alanine, which is neutral and non-polar, with glycine, which is neutral and non-polar, at codon 853 of the CPLANE1 protein (p.Ala853Gly). This variant is present in population databases (no rsID available, gnomAD 0.006%). This variant has not been reported in the literature in individuals affected with CPLANE1-related conditions. Advanced modeling of protein sequence and biophysical properties (such as structural, functional, and spatial information, amino acid conservation, physicochemical variation, residue mobility, and thermodynamic stability) performed at Invitae indicates that this missense variant is not expected to disrupt CPLANE1 protein function. In summary, the available evidence is currently insufficient to determine the role of this variant in disease. Therefore, it has been classified as a Variant of Uncertain Significance.

NM_001384732.1(CPLANE1):c.2558C>G (p.Ala853Gly)

Gene: CPLANE1 (ciliogenesis and planar polarity effector complex subunit 1; minus strand). Cytogenetic location: 5p13.2.
Variant type: single nucleotide variant.
Coding change: c.2558C>G on transcript NM_001384732.1 (MANE Select); coding-DNA position 2558, C replaced by G.
Protein change: p.Ala853Gly; replaces alanine 853 with glycine.
Molecular consequence: missense variant.
Genome position (GRCh38, 1-based): chr5:37,224,276, G>C on the plus strand (C>G on the coding strand, the complement: CPLANE1 is on the minus strand). VCF-style: chr5-37224276-G-C. GRCh37 (hg19) VCF-style: chr5-37224378-G-C.
Other names: c.2558C>G, p.Ala853Gly (NM_023073.4); c.2558C>G (NM_023073.3); short protein forms A853G.
Identifiers: ClinVar variation 1954981 (VCV001954981.6), dbSNP rs886060580, ClinGen allele CA117055575.